The following is an entry in ClinVar:

NM_001003694.2(BRPF1):c.3456CTT[1] (p.Phe1154del)

Gene: BRPF1 (bromodomain and PHD finger containing 1; plus strand). Cytogenetic location: 3p25.3.
Variant type: Microsatellite.
Coding change: c.3456CTT[1] on transcript NM_001003694.2 (MANE Select); one copy of the 3-base unit CTT starting at c.3456; the reference has two copies in a row; one copy, 3 bases deleted.
Protein change: p.Phe1154del; deletes phenylalanine 1154.
Molecular consequence: inframe deletion. On other transcripts: non-coding transcript variant (1).
Genome position (GRCh38, 1-based): chr3:9,746,434-9,746,436, CTT deleted; deleting any 3 consecutive bases within chr3:9,746,430-9,746,436 gives the same sequence; the position shown is the placement nearest the transcript's 3' end. VCF-style (leftmost placement, unchanged base first): chr3-9746429-CTCT-C. GRCh37 (hg19) VCF-style: chr3-9788113-CTCT-C.
Other names: c.3153CTT[1], p.Phe1053del (NM_001319049.2); c.3435CTT[1], p.Phe1147del (NM_001319050.2); c.3438CTT[1], p.Phe1148del (NM_004634.3); short protein forms F1154del, F1147del, F1148del, F1053del.
Identifiers: ClinVar variation 452827 (VCV000452827.3), dbSNP rs1553697341, ClinGen allele CA658657267.

ClinVar aggregate classification (germline): Likely pathogenic. Review status: criteria provided, multiple submitters, no conflicts (2 of 4 stars). 3 submissions from 3 submitters: Likely pathogenic (3). Last evaluated 2024-04-17.

Conditions:
Inborn genetic diseases. Identifiers: MedGen C0950123, MeSH D030342.
Intellectual developmental disorder with dysmorphic facies and ptosis (IDDDFP). Identifiers: Orphanet 698090, MedGen C4310617, MONDO:0015022, OMIM 617333.

Submissions (3):

Ambry Genetics
Classification: Likely pathogenic for Inborn genetic diseases. Last evaluated: 2024-04-17. Review status: criteria provided, single submitter. Criteria: Ambry Variant Classification Scheme 2023. Collection method: clinical testing. Allele origin: germline.
Comment: The c.3459_3461delCTT (p.F1154del) alteration, located in coding exon 12 of the BRPF1 gene, results from an in-frame 3 nucleotide deletion at nucleotide positions c.3459 to c.3461. This results in the deletion of a phenylalanine residue at codon 1154. This variant was not reported in population-based cohorts in the Genome Aggregation Database (gnomAD). This variant has been determined to be the result of a de novo mutation in two individuals with features consistent with developmental delay, mild to moderate intellectual disability, ocular findings, and other clinical features consistent with BRPF1-related neurodevelopmental disorder (Yan, 2020; External communication). This amino acid position is highly conserved in available vertebrate species. This alteration is predicted to be deleterious by in silico analysis (Choi, 2012). Based on the available evidence, this alteration is classified as likely pathogenic.

HudsonAlpha Institute for Biotechnology
Classification: Likely pathogenic for Intellectual developmental disorder with dysmorphic facies and ptosis. Last evaluated: 2017-11-09. Review status: criteria provided, single submitter. Criteria: HA_assertions_20161101. Collection method: research. Allele origin: de novo. Affected: yes. Observed: 1 variant allele. Study: CSER-HudsonAlpha.

GeneDx
Classification: Likely pathogenic. Last evaluated: 2017-10-19. Review status: criteria provided, single submitter. Criteria: GeneDx Variant Classification (06012015). Collection method: clinical testing. Allele origin: germline. Affected: yes.
Comment: The c.3459_3461delCTT variant has not been published as a pathogenic variant, nor has it been reported as a benign variant to our knowledge. This variant is not observed in large population cohorts (Lek et al., 2016). The c.3459_3461delCTT variant results in an in-frame deletion of a single Phenylalanine residue, denoted p.Phe1154del. Other in-frame deletions or missense variants have not been reported at nearby residues in the Human Gene Mutation Database (Stenson et al., 2014).

Literature cited by the submitters: PubMed 32010779 (cited by Ambry Genetics).